The following is an entry in ClinVar:

ClinVar aggregate classification (germline): Pathogenic (1 of 4 stars; one submission).

Conditions:
Neurofibromatosis, type 1 (NF1). Also called: Peripheral type neurofibromatosis; VON RECKLINGHAUSEN DISEASE; Neurofibromatosis, type I; NEUROFIBROMATOSIS, TYPE I, SOMATIC. Identifiers: Orphanet 636, MedGen C0027831, MONDO:0018975, OMIM 162200. Disease mechanism: loss of function.

Submission:

Labcorp Genetics (formerly Invitae), Labcorp
Classification: Pathogenic for Neurofibromatosis, type 1. Last evaluated: 2024-04-04. Review status: criteria provided, single submitter. Criteria: Invitae Variant Classification Sherloc (09022015). Collection method: clinical testing. Allele origin: germline.
Comment: This sequence change creates a premature translational stop signal (p.Val728Serfs*3) in the NF1 gene. It is expected to result in an absent or disrupted protein product. Loss-of-function variants in NF1 are known to be pathogenic (PMID: 10712197, 23913538). This variant is not present in population databases (gnomAD no frequency). This variant has not been reported in the literature in individuals affected with NF1-related conditions. For these reasons, this variant has been classified as Pathogenic.

Literature cited by the submitters: PubMed 10712197; PubMed 23913538.

NM_001042492.3(NF1):c.2180dup (p.Val728fs)

Gene: NF1 (neurofibromin 1; plus strand). Cytogenetic location: 17q11.2.
Variant type: Duplication.
Coding change: c.2180dup on transcript NM_001042492.3 (MANE Select); coding-DNA position 2180, one base duplicated (C; older notation c.2180dupC).
Protein change: p.Val728fs; shifts the reading frame from valine 728.
Molecular consequence: frameshift variant.
Genome position (GRCh38, 1-based): chr17:31,226,613, C duplicated. VCF-style (leftmost placement, unchanged base first): chr17-31226612-T-TC. GRCh37 (hg19) VCF-style: chr17-29553630-T-TC.
Other names: c.2180dup, p.Val728Serfs (NM_000267.4); short protein forms V728fs.
Identifiers: ClinVar variation 3648756 (VCV003648756.2).